The following is an entry in ClinVar:

ClinVar aggregate classification (germline): Uncertain significance (1 of 4 stars; one submission).

Conditions:
Cardiovascular phenotype. Identifiers: MedGen CN230736.

Allele frequency attached by ClinVar (database versions not stated): TOPMed below 0.00001.
gnomAD v4.1: 1 of 1,614,060 alleles (0.000062%); highest among the groups gnomAD compares: Non-Finnish European, 0.000085%; no homozygotes.

Submission:

Ambry Genetics
Classification: Uncertain significance for Cardiovascular phenotype. Last evaluated: 2020-09-09. Review status: criteria provided, single submitter. Criteria: Ambry Variant Classification Scheme 2023. Collection method: clinical testing. Allele origin: germline.
Comment: The p.S2878T variant (also known as c.8633G>C), located in coding exon 35 of the TTN gene, results from a G to C substitution at nucleotide position 8633. The serine at codon 2878 is replaced by threonine, an amino acid with similar properties. This amino acid position is highly conserved in available vertebrate species. In addition, the in silico prediction for this alteration is inconclusive. Since supporting evidence is limited at this time, the clinical significance of this alteration remains unclear.

NM_001267550.2(TTN):c.8771G>C (p.Ser2924Thr)

Gene: TTN (titin; minus strand). Cytogenetic location: 2q31.2.
Variant type: single nucleotide variant.
Coding change: c.8771G>C on transcript NM_001267550.2 (MANE Select); coding-DNA position 8771, G replaced by C.
Protein change: p.Ser2924Thr; replaces serine 2924 with threonine.
Molecular consequence: missense variant.
Genome position (GRCh38, 1-based): chr2:178,769,810, C>G on the plus strand (G>C on the coding strand, the complement: TTN is on the minus strand). VCF-style: chr2-178769810-C-G. GRCh37 (hg19) VCF-style: chr2-179634537-C-G.
Other names: c.8771G>C, p.Ser2924Thr (NM_001256850.1, NM_133378.4, NM_133379.5); c.8633G>C, p.Ser2878Thr (NM_003319.4, NM_133432.3, NM_133437.4); short protein forms S2878T, S2924T.
Identifiers: ClinVar variation 1764113 (VCV001764113.2), dbSNP rs745523949, ClinGen allele CA349676633.
Genomic context (GRCh38, chr2:178,769,810, plus strand): 5'-CTGGTGTTCATGATGATCAGCTGATGGAGTTTTCCCTGCACAACTATCTTGAACTTTTCA[C>G]TCATCTCAATTTCCACACCATTCTTCAGCCACATGGAAGGGACATTGAAGTGGGACACCT-3'
Protein context (NP_001254479.2, residues 2914-2934): WLKNGVEIEM[Ser2924Thr]EKFKIVVQGK